The following is an entry in ClinVar:

NM_002439.5(MSH3):c.2410A>C (p.Ser804Arg)

Gene: MSH3 (mutS homolog 3; plus strand). Cytogenetic location: 5q14.1.
Variant type: single nucleotide variant.
Coding change: c.2410A>C on transcript NM_002439.5 (MANE Select); coding-DNA position 2410, A replaced by C.
Protein change: p.Ser804Arg; replaces serine 804 with arginine.
Molecular consequence: missense variant.
Genome position (GRCh38, 1-based): chr5:80,778,811, A>C. VCF-style: chr5-80778811-A-C. GRCh37 (hg19) VCF-style: chr5-80074630-A-C.
Other names: short protein forms S804R.
Identifiers: ClinVar variation 4654898 (VCV004654898.1).

ClinVar aggregate classification (germline): Uncertain significance (1 of 4 stars; one submission).

Conditions:
Hereditary cancer-predisposing syndrome. Also called: Neoplastic Syndromes, Hereditary; Tumor predisposition; Hereditary Cancer Syndrome; Hereditary neoplastic syndrome. Identifiers: Orphanet 140162, MedGen C0027672, MeSH D009386, MONDO:0015356.

Submission:

Ambry Genetics
Classification: Uncertain significance for Hereditary cancer-predisposing syndrome. Last evaluated: 2025-11-24. Review status: criteria provided, single submitter. Criteria: Ambry Variant Classification Scheme 2023. Collection method: clinical testing. Allele origin: germline.
Comment: The p.S804R variant (also known as c.2410A>C), located in coding exon 17 of the MSH3 gene, results from an A to C substitution at nucleotide position 2410. The serine at codon 804 is replaced by arginine, an amino acid with dissimilar properties. This amino acid position is conserved. In addition, this alteration is predicted to be tolerated by in silico analysis. Based on the available evidence, the clinical significance of this variant remains unclear.